The following is an entry in ClinVar:

NM_000152.5(GAA):c.2189A>C (p.Glu730Ala)

Gene: GAA (alpha glucosidase; plus strand). Cytogenetic location: 17q25.3.
Variant type: single nucleotide variant.
Coding change: c.2189A>C on transcript NM_000152.5 (MANE Select); coding-DNA position 2189, A replaced by C.
Protein change: p.Glu730Ala; replaces glutamic acid 730 with alanine.
Molecular consequence: missense variant.
Genome position (GRCh38, 1-based): chr17:80,113,366, A>C. VCF-style: chr17-80113366-A-C. GRCh37 (hg19) VCF-style: chr17-78087165-A-C.
Other names: c.2189A>C, p.Glu730Ala (NM_001079803.3, NM_001079804.3, NM_001406741.1 and 1 more transcripts); short protein forms E730A.
Identifiers: ClinVar variation 4876486 (VCV004876486.1).

ClinVar aggregate classification (germline): Uncertain significance (1 of 4 stars; one submission).

Conditions:
Glycogen storage disease, type II (IOPD). Also called: Pompe Disease; CARDIOMEGALIA GLYCOGENICA DIFFUSA; GLYCOGENOSIS, GENERALIZED, CARDIAC FORM; GSD II; POMPE DISEASE, INFANTILE-ONSET; GLYCOGEN STORAGE DISEASE II, INFANTILE-ONSET. Identifiers: Orphanet 365, MedGen C0017921, MONDO:0009290, OMIM 232300.

Submission:

Genomenon, Inc
Classification: Uncertain significance for Glycogen storage disease, type II. Last evaluated: 2026-07-01. Review status: criteria provided, single submitter. Criteria: Genomenon Sequence Variant Interpretation Standards - Updated. Collection method: curation. Allele origin: germline.
Comment: GAA p.Glu730Ala (c.2189A>C) is a missense variant that changes the amino acid at codon 730 from Glutamic acid to Alanine. This variant has been reported in the compound heterozygous and/or homozygous state in at least one individual without a confirmed diagnosis of Pompe disease (PMID:33301762). It is absent or not present at a significant frequency in gnomAD. In silico models predict that this variant is possibly or probably damaging. In conclusion, we classify GAA p.Glu730Ala (c.2189A>C) as a variant of uncertain significance.

Literature cited by the submitters: PubMed 33301762.